The following is an entry in ClinVar:

NM_002295.6(RPSA):c.772C>T (p.Pro258Ser)

Gene: RPSA (ribosomal protein SA; plus strand). Cytogenetic location: 3p22.1.
Variant type: single nucleotide variant.
Coding change: c.772C>T on transcript NM_002295.6 (MANE Select); coding-DNA position 772, C replaced by T.
Protein change: p.Pro258Ser; replaces proline 258 with serine.
Molecular consequence: missense variant.
Genome position (GRCh38, 1-based): chr3:39,412,040, C>T. VCF-style: chr3-39412040-C-T. GRCh37 (hg19) VCF-style: chr3-39453531-C-T.
Other names: c.772C>T, p.Pro258Ser (NM_001012321.1); c.787C>T, p.Pro263Ser (NM_001304288.2); short protein forms P263S, P258S.
Identifiers: ClinVar variation 3000971 (VCV003000971.3), dbSNP rs2470587488, ClinGen allele CA352214425.

ClinVar aggregate classification (germline): Uncertain significance (1 of 4 stars; one submission).

Submission:

Labcorp Genetics (formerly Invitae), Labcorp
Classification: Uncertain significance. Last evaluated: 2024-02-14. Review status: criteria provided, single submitter. Criteria: Invitae Variant Classification Sherloc (09022015). Collection method: clinical testing. Allele origin: germline.
Comment: This sequence change replaces proline, which is neutral and non-polar, with serine, which is neutral and polar, at codon 258 of the RPSA protein (p.Pro258Ser). This variant is not present in population databases (gnomAD no frequency). This variant has not been reported in the literature in individuals affected with RPSA-related conditions. An algorithm developed to predict the effect of missense changes on protein structure and function (PolyPhen-2) suggests that this variant is likely to be tolerated. In summary, the available evidence is currently insufficient to determine the role of this variant in disease. Therefore, it has been classified as a Variant of Uncertain Significance.